The following is an entry in ClinVar:

ClinVar aggregate classification (germline): Uncertain significance. Review status: criteria provided, multiple submitters, no conflicts (2 of 4 stars). 2 submissions from 2 submitters: Uncertain significance (2). Last evaluated 2025-04-15.

Conditions:
Inborn genetic diseases. Identifiers: MedGen C0950123, MeSH D030342.

Allele frequency attached by ClinVar (database versions not stated): TOPMed 0.00001; 1000 Genomes Project 30x 0.00016; gnomAD 0.00001.

Submissions (2):

Ambry Genetics
Classification: Uncertain significance for Inborn genetic diseases. Last evaluated: 2025-04-15. Review status: criteria provided, single submitter. Criteria: Ambry Variant Classification Scheme 2023. Collection method: clinical testing. Allele origin: germline.

Labcorp Genetics (formerly Invitae), Labcorp
Classification: Uncertain significance. Last evaluated: 2021-12-03. Review status: criteria provided, single submitter. Criteria: Invitae Variant Classification Sherloc (09022015). Collection method: clinical testing. Allele origin: germline.
Comment: In summary, the available evidence is currently insufficient to determine the role of this variant in disease. Therefore, it has been classified as a Variant of Uncertain Significance. Algorithms developed to predict the effect of missense changes on protein structure and function (SIFT, PolyPhen-2, Align-GVGD) all suggest that this variant is likely to be tolerated. This variant has not been reported in the literature in individuals affected with EPRS-related conditions. This variant is present in population databases (no rsID available, gnomAD 0.0009%). This sequence change replaces glutamine, which is neutral and polar, with glutamic acid, which is acidic and polar, at codon 933 of the EPRS protein (p.Gln933Glu).

NM_004446.3(EPRS1):c.2797C>G (p.Gln933Glu)

Gene: EPRS1 (glutamyl-prolyl-tRNA synthetase 1; minus strand). Cytogenetic location: 1q41.
Variant type: single nucleotide variant.
Coding change: c.2797C>G on transcript NM_004446.3 (MANE Select); coding-DNA position 2797, C replaced by G.
Protein change: p.Gln933Glu; replaces glutamine 933 with glutamic acid.
Molecular consequence: missense variant.
Genome position (GRCh38, 1-based): chr1:219,987,383, G>C on the plus strand (C>G on the coding strand, the complement: EPRS1 is on the minus strand). VCF-style: chr1-219987383-G-C. GRCh37 (hg19) VCF-style: chr1-220160725-G-C.
Other names: c.2797C>G (NM_004446.2); short protein forms Q933E.
Identifiers: ClinVar variation 1680916 (VCV001680916.8), dbSNP rs760439317, ClinGen allele CA344642892.